The following is an entry in ClinVar:

ClinVar aggregate classification (germline): Likely benign. Review status: criteria provided, single submitter (1 of 4 stars). 2 submissions from 2 submitters: Likely benign (1). 1 of the submissions does not count toward it. Last evaluated 2021-12-03.

Conditions:
ZNF335-related disorder. Also called: ZNF335-related condition.

Allele frequency attached by ClinVar (database versions not stated): ExAC 0.00001; gnomAD 0.00001; gnomAD exomes 0.00002.
gnomAD v4.1: 11 of 1,596,792 alleles (0.00069%); highest among the groups gnomAD compares: South Asian, 0.012%; 1 homozygote.

Submissions (2):

Labcorp Genetics (formerly Invitae), Labcorp
Classification: Likely benign. Last evaluated: 2021-12-03. Review status: criteria provided, single submitter. Criteria: Invitae Variant Classification Sherloc (09022015). Collection method: clinical testing. Allele origin: germline.

PreventionGenetics, part of Exact Sciences
Classification: Likely benign for ZNF335-related condition. Last evaluated: 2019-02-22. Review status: no assertion criteria provided. Collection method: clinical testing. Allele origin: germline. Not counted in ClinVar's aggregate classification.
Comment: This variant is classified as likely benign based on ACMG/AMP sequence variant interpretation guidelines (Richards et al. 2015 PMID: 25741868, with internal and published modifications).

NM_022095.4(ZNF335):c.956-8C>G

Gene: ZNF335 (zinc finger protein 335; minus strand). Cytogenetic location: 20q13.12.
Variant type: single nucleotide variant.
Coding change: c.956-8C>G on transcript NM_022095.4 (MANE Select); 8 bases into the intron before coding-DNA position 956, C replaced by G.
Molecular consequence: intron variant.
Genome position (GRCh38, 1-based): chr20:45,965,782, G>C on the plus strand (C>G on the coding strand, the complement: ZNF335 is on the minus strand). VCF-style: chr20-45965782-G-C. GRCh37 (hg19) VCF-style: chr20-44594421-G-C.
Other names: c.956-8C>G (NM_022095.3).
Identifiers: ClinVar variation 1655777 (VCV001655777.10), dbSNP rs779898911, ClinGen allele CA9885890.